The following is an entry in ClinVar:

ClinVar aggregate classification (germline): Uncertain significance. Review status: criteria provided, multiple submitters, no conflicts (2 of 4 stars). 2 submissions from 2 submitters: Uncertain significance (2). Last evaluated 2025-11-27.

Conditions:
Hereditary breast ovarian cancer syndrome. Also called: Breast and ovarian cancer; Hereditary breast and/or ovarian cancer syndrome; Hereditary breast and ovarian cancer; Hereditary breast and ovarian cancer syndrome (HBOC); BRCA1- and BRCA2-Associated Hereditary Breast and Ovarian Cancer; Hereditary breast and ovarian cancer syndrome. Identifiers: Orphanet 145, MedGen C0677776, MeSH D061325, MONDO:0003582. Disease mechanism: loss of function.
Hereditary cancer-predisposing syndrome. Also called: Hereditary Cancer Syndrome; Neoplastic Syndromes, Hereditary; Tumor predisposition; Hereditary neoplastic syndrome. Identifiers: Orphanet 140162, MedGen C0027672, MeSH D009386, MONDO:0015356.

Submissions (2):

Labcorp Genetics (formerly Invitae), Labcorp
Classification: Uncertain significance for Hereditary breast ovarian cancer syndrome. Last evaluated: 2025-11-27. Review status: criteria provided, single submitter. Criteria: Invitae Variant Classification Sherloc (09022015). Collection method: clinical testing. Allele origin: germline.
Comment: This sequence change replaces aspartic acid, which is acidic and polar, with alanine, which is neutral and non-polar, at codon 1621 of the BRCA1 protein (p.Asp1621Ala). This variant is not present in population databases (gnomAD no frequency). This variant has not been reported in the literature in individuals affected with BRCA1-related conditions. ClinVar contains an entry for this variant (Variation ID: 491088). Invitae Evidence Modeling of protein sequence and biophysical properties (such as structural, functional, and spatial information, amino acid conservation, physicochemical variation, residue mobility, and thermodynamic stability) indicates that this missense variant is not expected to disrupt BRCA1 protein function with a negative predictive value of 95%. In summary, the available evidence is currently insufficient to determine the role of this variant in disease. Therefore, it has been classified as a Variant of Uncertain Significance.

Color Diagnostics, LLC DBA Color Health
Classification: Uncertain significance for Hereditary cancer-predisposing syndrome. Last evaluated: 2019-11-15. Review status: criteria provided, single submitter. Criteria: ACMG Guidelines, 2015. Collection method: clinical testing. Allele origin: germline.
Comment: This missense variant replaces aspartic acid with alanine at codon 1621 of the BRCA1 protein. Computational prediction is inconclusive regarding the impact of this variant on protein structure and function (internally defined REVEL score threshold 0.5 < inconclusive < 0.7, PMID: 27666373). Splice site prediction tools suggest that this variant may not impact RNA splicing. To our knowledge, functional studies have not been performed for this variant. This variant has not been reported in individuals affected with hereditary cancer in the literature. This variant has not been identified in the general population by the Genome Aggregation Database (gnomAD). The available evidence is insufficient to determine the role of this variant in disease conclusively. Therefore, this variant is classified as a Variant of Uncertain Significance.

NM_007294.4(BRCA1):c.4862A>C (p.Asp1621Ala)

Gene: BRCA1 (BRCA1 DNA repair associated; minus strand). Cytogenetic location: 17q21.31.
Variant type: single nucleotide variant.
Coding change: c.4862A>C on transcript NM_007294.4 (MANE Select); coding-DNA position 4862, A replaced by C.
Protein change: p.Asp1621Ala; replaces aspartic acid 1621 with alanine.
Molecular consequence: missense variant. On other transcripts: non-coding transcript variant (1).
Genome position (GRCh38, 1-based): chr17:43,071,052, T>G on the plus strand (A>C on the coding strand, the complement: BRCA1 is on the minus strand). VCF-style: chr17-43071052-T-G. GRCh37 (hg19) VCF-style: chr17-41223069-T-G.
Other names: c.4598A>C, p.Asp1533Ala (NM_001407922.1, NM_001407923.1, NM_001407924.1 and 4 more transcripts); c.4595A>C, p.Asp1532Ala (NM_001407927.1, NM_001407928.1, NM_001407929.1 and 4 more transcripts); c.4592A>C, p.Asp1531Ala (NM_001407934.1, NM_001407935.1, NM_001407936.1); c.4739A>C, p.Asp1580Ala (NM_001407937.1, NM_001407938.1, NM_001407664.1 and 6 more transcripts); c.4736A>C, p.Asp1579Ala (NM_001407939.1, NM_001407940.1, NM_001407670.1 and 11 more transcripts); c.4733A>C, p.Asp1578Ala (NM_001407941.1, NM_001407681.1, NM_001407682.1 and 6 more transcripts); c.4721A>C, p.Asp1574Ala (NM_001407942.1, NM_007297.4, NM_001407692.1 and 13 more transcripts); c.4718A>C, p.Asp1573Ala (NM_001407943.1, NM_001407944.1, NM_001407945.1 and 21 more transcripts); and 70 more; short protein forms D1621A, D1642A, D1574A, D517A, D1509A, D1510A, D1531A, D1554A.
Identifiers: ClinVar variation 491088 (VCV000491088.14), dbSNP rs1555580777, ClinGen allele CA10591803.
Genomic context (GRCh38, chr17:43,071,052, plus strand): 5'-GCTGTCAATTCTGGCTTCTCCCTGCTCACACTTTCTTCCATTGCATTATACCCAGCAGTA[T>G]CAGTAGTATGAGCAGCAGCTGGACTCTGGGCAGATTCTGCAACTTTCAATTGGGGAACTT-3'
Protein context (NP_009225.1, residues 1611-1631): AQSPAAAHTT[Asp1621Ala]TAGYNAMEES